The following is an entry in ClinVar:

NM_001605.3(AARS1):c.1409T>A (p.Ile470Asn)

Gene: AARS1 (alanyl-tRNA synthetase 1; minus strand). Cytogenetic location: 16q22.1.
Variant type: single nucleotide variant.
Coding change: c.1409T>A on transcript NM_001605.3 (MANE Select); coding-DNA position 1409, T replaced by A.
Protein change: p.Ile470Asn; replaces isoleucine 470 with asparagine.
Molecular consequence: missense variant.
Genome position (GRCh38, 1-based): chr16:70,265,041, A>T on the plus strand (T>A on the coding strand, the complement: AARS1 is on the minus strand). VCF-style: chr16-70265041-A-T. GRCh37 (hg19) VCF-style: chr16-70298944-A-T.
Other names: short protein forms I470N.
Identifiers: ClinVar variation 581312 (VCV000581312.8), dbSNP rs1567605658, ClinGen allele CA396561275.

ClinVar aggregate classification (germline): Uncertain significance. Review status: criteria provided, multiple submitters, no conflicts (2 of 4 stars). 2 submissions from 2 submitters: Uncertain significance (2). Last evaluated 2023-05-22.

Conditions:
Charcot-Marie-Tooth disease. Also called: Charcot-Marie-Tooth Neuropathy; Charcot-Marie-Tooth Hereditary Neuropathy. Identifiers: Orphanet 166, MedGen C0007959, MONDO:0015626.
Charcot-Marie-Tooth disease type 2. Also called: Charcot-Marie-Tooth type 2. Identifiers: Orphanet 64746, MedGen C0270914, MONDO:0018993.

Allele frequency attached by ClinVar (database versions not stated): gnomAD exomes below 0.00001.

Submissions (2):

Labcorp Genetics (formerly Invitae), Labcorp
Classification: Uncertain significance for Charcot-Marie-Tooth disease type 2. Last evaluated: 2023-05-22. Review status: criteria provided, single submitter. Criteria: Invitae Variant Classification Sherloc (09022015). Collection method: clinical testing. Allele origin: germline.
Comment: In summary, the available evidence is currently insufficient to determine the role of this variant in disease. Therefore, it has been classified as a Variant of Uncertain Significance. Advanced modeling of protein sequence and biophysical properties (such as structural, functional, and spatial information, amino acid conservation, physicochemical variation, residue mobility, and thermodynamic stability) has been performed at Invitae for this missense variant, however the output from this modeling did not meet the statistical confidence thresholds required to predict the impact of this variant on AARS protein function. ClinVar contains an entry for this variant (Variation ID: 581312). This missense change has been observed in individual(s) with Charcot-Marie-Tooth disease (PMID: 32376792). This variant is not present in population databases (gnomAD no frequency). This sequence change replaces isoleucine, which is neutral and non-polar, with asparagine, which is neutral and polar, at codon 470 of the AARS protein (p.Ile470Asn).

Molecular Genetics Laboratory, London Health Sciences Centre
Classification: Uncertain significance for Charcot-Marie-Tooth disease. Review status: criteria provided, single submitter. Criteria: ACMG Guidelines, 2015. Collection method: clinical testing. Allele origin: germline. Affected: yes.

Literature cited by the submitters: PubMed 32376792 (cited by Labcorp Genetics (formerly Invitae), Labcorp).